The following is an entry in ClinVar:

NM_001205293.3(CACNA1E):c.4409G>A (p.Arg1470His)

Gene: CACNA1E (calcium voltage-gated channel subunit alpha1 E; plus strand). Cytogenetic location: 1q25.3.
Variant type: single nucleotide variant.
Coding change: c.4409G>A on transcript NM_001205293.3 (MANE Select); coding-DNA position 4409, G replaced by A.
Protein change: p.Arg1470His; replaces arginine 1470 with histidine.
Molecular consequence: missense variant.
Genome position (GRCh38, 1-based): chr1:181,758,026, G>A. VCF-style: chr1-181758026-G-A. GRCh37 (hg19) VCF-style: chr1-181727162-G-A.
Other names: c.4409G>A, p.Arg1470His (NM_000721.4); c.4352G>A, p.Arg1451His (NM_001205294.2); short protein forms R1451H, R1470H.
Identifiers: ClinVar variation 4881719 (VCV004881719.2).

ClinVar aggregate classification (germline): Uncertain significance (1 of 4 stars; one submission).

gnomAD v4.1: 1 of 1,613,890 alleles (0.000062%); highest among the groups gnomAD compares: Non-Finnish European, 0.000085%; no homozygotes.

Submission:

Dasa
Classification: Uncertain significance. Last evaluated: 2025-11-21. Review status: criteria provided, single submitter. Criteria: DASA Assertion Criteria. Collection method: clinical testing. Allele origin: germline.
Comment: NM_001205293.3(CACNA1E):c.4409G>A (p.Arg1470His) is a missense variant that results in the substitution of arginine with histidine. This variant is rare in population databases. Computational prediction algorithms are consistent with a deleterious effect. The currently available literature and clinical evidence are not sufficient to establish a definitive association between this variant and the reported condition. Therefore, this variant is classified as a variant of uncertain significance.